The following is an entry in ClinVar:

NM_001378615.1(CC2D2A):c.1880G>A (p.Arg627Gln)

Genes: FBXL5 (F-box and leucine rich repeat protein 5; minus strand), CC2D2A (coiled-coil and C2 domain containing 2A; plus strand). Cytogenetic location: 4p15.32.
Variant type: single nucleotide variant.
Coding change: c.1880G>A on transcript NM_001378615.1 (MANE Select); coding-DNA position 1880, G replaced by A.
Protein change: p.Arg627Gln; replaces arginine 627 with glutamine.
Molecular consequence: missense variant.
Genome position (GRCh38, 1-based): chr4:15,538,014, G>A. VCF-style: chr4-15538014-G-A. GRCh37 (hg19) VCF-style: chr4-15539637-G-A.
Other names: c.1880G>A, p.Arg627Gln (NM_001080522.2); c.1733G>A, p.Arg578Gln (NM_001378617.1); short protein forms R627Q, R578Q.
Identifiers: ClinVar variation 347760 (VCV000347760.13), dbSNP rs752576142, ClinGen allele CA2863789.

ClinVar aggregate classification (germline): Uncertain significance. Review status: criteria provided, multiple submitters, no conflicts (2 of 4 stars). 6 submissions from 5 submitters: Uncertain significance (6). Last evaluated 2023-03-02.

Conditions:
Inborn genetic diseases. Identifiers: MedGen C0950123, MeSH D030342.
CC2D2A-related disorder. Also called: CC2D2A-related disorders; CC2D2A-related condition. Identifiers: MedGen CN239313.
Meckel-Gruber syndrome. Also called: Dysencephalia splachnocystica; DYSENCEPHALIA SPLANCHNOCYSTICA; GRUBER SYNDROME. Identifiers: Orphanet 564, MedGen C0265215, MONDO:0018921.
Joubert syndrome. Also called: JOUBERT-BOLTSHAUSER SYNDROME; Familial aplasia of the vermis. Identifiers: Orphanet 475, MedGen C5979921, MONDO:0018772.
Meckel syndrome, type 6. Identifiers: Orphanet 564, MedGen C2676790, MONDO:0012848, OMIM 612284.
Joubert syndrome 9 (JBTS9). Identifiers: Orphanet 2318, MedGen C2676788, MONDO:0012849, OMIM 612285.

Allele frequency attached by ClinVar (database versions not stated): gnomAD 0.00001; gnomAD exomes 0.00003; ExAC 0.00004; TOPMed 0.00005.
gnomAD v4.1: 19 of 1,608,892 alleles (0.0012%); highest among the groups gnomAD compares: Admixed American, 0.013%; no homozygotes.

Submissions (6):

PreventionGenetics, part of Exact Sciences
Classification: Uncertain significance for CC2D2A-related condition. Last evaluated: 2023-03-02. Review status: criteria provided, single submitter. Criteria: ACMG Guidelines, 2015. Collection method: clinical testing. Allele origin: germline.
Comment: The CC2D2A c.1880G>A variant is predicted to result in the amino acid substitution p.Arg627Gln. To our knowledge, this variant has not been reported in the literature. This variant is reported in 0.015% of alleles in individuals of Latino descent in gnomAD. At this time, the clinical significance of this variant is uncertain due to the absence of conclusive functional and genetic evidence.

Labcorp Genetics (formerly Invitae), Labcorp
Classification: Uncertain significance for Joubert syndrome; Meckel-Gruber syndrome. Last evaluated: 2022-08-16. Review status: criteria provided, single submitter. Criteria: Invitae Variant Classification Sherloc (09022015). Collection method: clinical testing. Allele origin: germline.
Comment: This sequence change replaces arginine, which is basic and polar, with glutamine, which is neutral and polar, at codon 627 of the CC2D2A protein (p.Arg627Gln). This variant is present in population databases (rs752576142, gnomAD 0.02%). This variant has not been reported in the literature in individuals affected with CC2D2A-related conditions. ClinVar contains an entry for this variant (Variation ID: 347760). Advanced modeling of protein sequence and biophysical properties (such as structural, functional, and spatial information, amino acid conservation, physicochemical variation, residue mobility, and thermodynamic stability) performed at Invitae indicates that this missense variant is not expected to disrupt CC2D2A protein function. In summary, the available evidence is currently insufficient to determine the role of this variant in disease. Therefore, it has been classified as a Variant of Uncertain Significance.

Ambry Genetics
Classification: Uncertain significance for Inborn genetic diseases. Last evaluated: 2022-06-17. Review status: criteria provided, single submitter. Criteria: Ambry Variant Classification Scheme 2023. Collection method: clinical testing. Allele origin: germline.

Illumina Laboratory Services, Illumina
Classification: Uncertain significance for Joubert syndrome 9. Last evaluated: 2018-01-12. Review status: criteria provided, single submitter. Criteria: ICSL Variant Classification Criteria 13 December 2019. Collection method: clinical testing. Allele origin: germline.

Illumina Laboratory Services, Illumina
Classification: Uncertain significance for Meckel syndrome, type 6. Last evaluated: 2018-01-12. Review status: criteria provided, single submitter. Criteria: ICSL Variant Classification Criteria 13 December 2019. Collection method: clinical testing. Allele origin: germline.

GeneDx
Classification: Uncertain significance. Last evaluated: 2016-10-27. Review status: criteria provided, single submitter. Criteria: GeneDx Variant Classification (06012015). Collection method: clinical testing. Allele origin: germline. Affected: yes.
Comment: A variant of uncertain significance has been identified in the CC2D2A gene. The R627Q variant has not been published as a pathogenic variant, nor has it been reported as a benign variant to our knowledge. It was not observed in approximately 6,300 individuals of European and African American ancestry in the NHLBI Exome Sequencing Project, indicating it is not a common benign variant in these populations. The R627Q variant is a semi-conservative amino acid substitution, which may impact secondary protein structure as these residues differ in some properties. However, this substitution occurs at a position that is not conserved, and Glutamine has been seen at this position in evolution. Additionally, in silico analysis predicts this variant likely does not alter the protein structure/function. Therefore, based on the currently available information, it is unclear whether this variant is a pathogenic variant or a rare benign variant.